The following is an entry in ClinVar:

ClinVar aggregate classification (germline): Uncertain significance. Review status: criteria provided, multiple submitters, no conflicts (2 of 4 stars). 4 submissions from 4 submitters: Uncertain significance (4). Last evaluated 2025-07-30.

Conditions:
MYH6-related disorder. Also called: MYH6-Related Disorders; MYH6-related condition.
Hypertrophic cardiomyopathy 14. Identifiers: MedGen C2750467, MONDO:0013197, OMIM 613251.
Cardiovascular phenotype. Identifiers: MedGen CN230736.

Submissions (4):

PreventionGenetics, part of Exact Sciences
Classification: Uncertain significance for MYH6-related condition. Last evaluated: 2025-07-30. Review status: criteria provided, single submitter. Criteria: ACMG Guidelines, 2015. Collection method: clinical testing. Allele origin: germline.
Comment: The MYH6 c.1249A>T variant is predicted to result in the amino acid substitution p.Ser417Cys. To our knowledge, this variant has not been reported in the literature. This variant is reported in 0.00088% of alleles in individuals of European (Non-Finnish) descent in gnomAD. At this time, the clinical significance of this variant is uncertain due to the absence of conclusive functional and genetic evidence.

Labcorp Genetics (formerly Invitae), Labcorp
Classification: Uncertain significance for Hypertrophic cardiomyopathy 14. Last evaluated: 2025-01-29. Review status: criteria provided, single submitter. Criteria: Invitae Variant Classification Sherloc (09022015). Collection method: clinical testing. Allele origin: germline.
Comment: This sequence change replaces serine, which is neutral and polar, with cysteine, which is neutral and slightly polar, at codon 417 of the MYH6 protein (p.Ser417Cys). This variant is present in population databases (no rsID available, gnomAD 0.0009%). This variant has not been reported in the literature in individuals affected with MYH6-related conditions. ClinVar contains an entry for this variant (Variation ID: 1214944). Invitae Evidence Modeling of protein sequence and biophysical properties (such as structural, functional, and spatial information, amino acid conservation, physicochemical variation, residue mobility, and thermodynamic stability) indicates that this missense variant is expected to disrupt MYH6 protein function with a positive predictive value of 80%. In summary, the available evidence is currently insufficient to determine the role of this variant in disease. Therefore, it has been classified as a Variant of Uncertain Significance.

GeneDx
Classification: Uncertain significance. Last evaluated: 2023-08-09. Review status: criteria provided, single submitter. Criteria: GeneDx Variant Classification Process June 2021. Collection method: clinical testing. Allele origin: germline. Affected: yes.
Comment: Has not been previously published as pathogenic or benign to our knowledge; In silico analysis supports that this missense variant has a deleterious effect on protein structure/function; Not observed at significant frequency in large population cohorts (gnomAD)

Ambry Genetics
Classification: Uncertain significance for Cardiovascular phenotype. Last evaluated: 2022-12-07. Review status: criteria provided, single submitter. Criteria: Ambry Variant Classification Scheme 2023. Collection method: clinical testing. Allele origin: germline.
Comment: The p.S417C variant (also known as c.1249A>T), located in coding exon 11 of the MYH6 gene, results from an A to T substitution at nucleotide position 1249. The serine at codon 417 is replaced by cysteine, an amino acid with dissimilar properties. This amino acid position is conserved. In addition, this alteration is predicted to be tolerated by in silico analysis. Since supporting evidence is limited at this time, the clinical significance of this alteration remains unclear.

NM_002471.4(MYH6):c.1249A>T (p.Ser417Cys)

Gene: MYH6 (myosin heavy chain 6; minus strand). Cytogenetic location: 14q11.2.
Variant type: single nucleotide variant.
Coding change: c.1249A>T on transcript NM_002471.4 (MANE Select); coding-DNA position 1249, A replaced by T.
Protein change: p.Ser417Cys; replaces serine 417 with cysteine.
Molecular consequence: missense variant.
Genome position (GRCh38, 1-based): chr14:23,400,870, T>A on the plus strand (A>T on the coding strand, the complement: MYH6 is on the minus strand). VCF-style: chr14-23400870-T-A. GRCh37 (hg19) VCF-style: chr14-23870079-T-A.
Other names: short protein forms S417C.
Identifiers: ClinVar variation 1214944 (VCV001214944.11), dbSNP rs199754151, ClinGen allele CA389024108.
Genomic context (GRCh38, chr14:23,400,870, plus strand): 5'-ACATCTTCTCATACACTGCCTTGGCCAGAGCCCCGATGGAGTAGTACACCTGCTGCACGC[T>A]CTGCCCCTTGGTGACATACTCGTTGCCCACTTTCACCCGAGGGTGGCACAGCCCCTTGAG-3'
Protein context (NP_002462.2, residues 407-427): VGNEYVTKGQ[Ser417Cys]VQQVYYSIGA